The following is an entry in ClinVar:

ClinVar aggregate classification (germline): Uncertain significance (1 of 4 stars; one submission).

gnomAD v4.1: 2 of 1,591,466 alleles (0.00013%); highest among the groups gnomAD compares: African/African-American, 0.0028%; no homozygotes.

Submission:

GeneDx
Classification: Uncertain significance. Last evaluated: 2026-03-16. Review status: criteria provided, single submitter. Criteria: GeneDx Variant Classification Process June 2021. Collection method: clinical testing. Allele origin: germline.
Comment: Not observed at significant frequency in large population cohorts (gnomAD); In silico analysis suggests that this missense variant does not alter protein structure/function; Has not been previously published as pathogenic or benign to our knowledge

NM_016628.5(WAC):c.67C>G (p.Gln23Glu)

Genes: WAC (WW domain containing adaptor with coiled-coil; plus strand), LOC130003576 (ATAC-STARR-seq lymphoblastoid silent region 2255; plus strand). Cytogenetic location: 10p12.1.
Variant type: single nucleotide variant.
Coding change: c.67C>G on transcript NM_016628.5 (MANE Select); coding-DNA position 67, C replaced by G.
Protein change: p.Gln23Glu; replaces glutamine 23 with glutamic acid.
Molecular consequence: missense variant. On other transcripts: 5 prime UTR variant (1).
Genome position (GRCh38, 1-based): chr10:28,534,023, C>G. VCF-style: chr10-28534023-C-G. GRCh37 (hg19) VCF-style: chr10-28822952-C-G.
Other names: c.-69C>G (NM_100264.3); c.67C>G, p.Gln23Glu (NM_100486.4); short protein forms Q23E.
Identifiers: ClinVar variation 5009282 (VCV005009282.1).
Genomic context (GRCh38, chr10:28,534,023, plus strand): 5'-GTCTTATGTCGCTGCCTTCTCTTCCTGTTTTTCAGCTGTCACGACCGGAGGGGGGACTCG[C>G]AGCCTTACCAGGTACCAGCCGAGGCCGGGGTGGAGGGATTGGAAGGGGCCGGAGGGGGAA-3'
Protein context (NP_057712.2, residues 13-33): DGCHDRRGDS[Gln23Glu]PYQALKYSSK